The following is an entry in ClinVar:

NM_019888.3(MC3R):c.652G>A (p.Val218Ile)

Gene: MC3R (melanocortin 3 receptor; plus strand). Cytogenetic location: 20q13.2.
Variant type: single nucleotide variant.
Coding change: c.652G>A on transcript NM_019888.3 (MANE Select); coding-DNA position 652, G replaced by A.
Protein change: p.Val218Ile; replaces valine 218 with isoleucine.
Molecular consequence: missense variant.
Genome position (GRCh38, 1-based): chr20:56,249,495, G>A. VCF-style: chr20-56249495-G-A. GRCh37 (hg19) VCF-style: chr20-54824551-G-A.
Other names: short protein forms V218I.
Identifiers: ClinVar variation 2737678 (VCV002737678.4), dbSNP rs767076441, ClinGen allele CA9917058.

ClinVar aggregate classification (germline): Uncertain significance. Review status: criteria provided, multiple submitters, no conflicts (2 of 4 stars). 2 submissions from 2 submitters: Uncertain significance (2). Last evaluated 2025-08-07.

Conditions:
MC3R-related disorder. Also called: MC3R-related condition.

Allele frequency attached by ClinVar (database versions not stated): ExAC 0.00002; gnomAD 0.00003; gnomAD exomes 0.00003.

Submissions (2):

PreventionGenetics, part of Exact Sciences
Classification: Uncertain significance for MC3R-related condition. Last evaluated: 2025-08-07. Review status: criteria provided, single submitter. Criteria: ACMG Guidelines, 2015. Collection method: clinical testing. Allele origin: germline.
Comment: The MC3R c.652G>A variant is predicted to result in the amino acid substitution p.Val218Ile. To our knowledge, this variant has not been reported in the literature. This variant is reported in 0.0080% of alleles in individuals of African descent in gnomAD. At this time, the clinical significance of this variant is uncertain due to the absence of conclusive functional and genetic evidence.

Labcorp Genetics (formerly Invitae), Labcorp
Classification: Uncertain significance. Last evaluated: 2023-10-06. Review status: criteria provided, single submitter. Criteria: Invitae Variant Classification Sherloc (09022015). Collection method: clinical testing. Allele origin: germline.
Comment: This sequence change replaces valine, which is neutral and non-polar, with isoleucine, which is neutral and non-polar, at codon 218 of the MC3R protein (p.Val218Ile). This variant is present in population databases (rs767076441, gnomAD 0.008%). This variant has not been reported in the literature in individuals affected with MC3R-related conditions. Algorithms developed to predict the effect of missense changes on protein structure and function output the following: SIFT: "Not Available"; PolyPhen-2: "Benign"; Align-GVGD: "Not Available". The isoleucine amino acid residue is found in multiple mammalian species, which suggests that this missense change does not adversely affect protein function. In summary, the available evidence is currently insufficient to determine the role of this variant in disease. Therefore, it has been classified as a Variant of Uncertain Significance.